The following is an entry in ClinVar:

ClinVar aggregate classification (germline): Pathogenic (1 of 4 stars; one submission).

Conditions:
Congenital myasthenic syndrome 12 (CMS12). Also called: MYASTHENIC SYNDROME, CONGENITAL, WITH TUBULAR AGGREGATES 1; Myasthenia, congenital, 12, with tubular aggregates. Identifiers: Orphanet 353327, Orphanet 590, MedGen C3552335, MONDO:0012518, OMIM 610542.

Submission:

Labcorp Genetics (formerly Invitae), Labcorp
Classification: Pathogenic for Congenital myasthenic syndrome 12. Last evaluated: 2024-11-14. Review status: criteria provided, single submitter. Criteria: Invitae Variant Classification Sherloc (09022015). Collection method: clinical testing. Allele origin: germline.
Comment: This sequence change creates a premature translational stop signal (p.Cys254*) in the GFPT1 gene. It is expected to result in an absent or disrupted protein product. Loss-of-function variants in GFPT1 are known to be pathogenic (PMID: 23794683). This variant is not present in population databases (gnomAD no frequency). This variant has not been reported in the literature in individuals affected with GFPT1-related conditions. For these reasons, this variant has been classified as Pathogenic.

Literature cited by the submitters: PubMed 23794683.

NM_001244710.2(GFPT1):c.762C>A (p.Cys254Ter)

Gene: GFPT1 (glutamine--fructose-6-phosphate transaminase 1; minus strand). Cytogenetic location: 2p13.3.
Variant type: single nucleotide variant.
Coding change: c.762C>A on transcript NM_001244710.2 (MANE Select); coding-DNA position 762, C replaced by A.
Protein change: p.Cys254Ter; replaces cysteine 254 with a stop codon.
Molecular consequence: nonsense.
Genome position (GRCh38, 1-based): chr2:69,350,161, G>T on the plus strand (C>A on the coding strand, the complement: GFPT1 is on the minus strand). VCF-style: chr2-69350161-G-T. GRCh37 (hg19) VCF-style: chr2-69577293-G-T.
Other names: c.708C>A, p.Cys236Ter (NM_002056.4); short protein forms C254*, C236*.
Identifiers: ClinVar variation 3668591 (VCV003668591.2).